The following is an entry in ClinVar:

NM_003482.4(KMT2D):c.15499A>G (p.Ser5167Gly)

Gene: KMT2D (lysine methyltransferase 2D; minus strand). Cytogenetic location: 12q13.12.
Variant type: single nucleotide variant.
Coding change: c.15499A>G on transcript NM_003482.4 (MANE Select); coding-DNA position 15499, A replaced by G.
Protein change: p.Ser5167Gly; replaces serine 5167 with glycine.
Molecular consequence: missense variant.
Genome position (GRCh38, 1-based): chr12:49,026,467, T>C on the plus strand (A>G on the coding strand, the complement: KMT2D is on the minus strand). VCF-style: chr12-49026467-T-C. GRCh37 (hg19) VCF-style: chr12-49420250-T-C.
Other names: short protein forms S5167G.
Identifiers: ClinVar variation 547501 (VCV000547501.10), dbSNP rs752976776, ClinGen allele CA6545553.
Genomic context (GRCh38, chr12:49,026,467, plus strand): 5'-CGTGGAACACAAGGCCCCCCACACGGAACATGTGCAGCCGTTCTCCCCGCTGAATGATGC[T>C]AGCGATTTGCTTCACCTCGTCCCGCTCAATGTAGACCCGCCGGAAGACAGCAAAAGAGCT-3'
Protein context (NP_003473.3, residues 5157-5177): IERDEVKQIA[Ser5167Gly]IIQRGERLHM

ClinVar aggregate classification (germline): Conflicting classifications of pathogenicity. Review status: criteria provided, conflicting classifications (1 of 4 stars). 4 submissions from 4 submitters: Uncertain significance (2); Likely benign (2). Last evaluated 2026-02-10.

Conditions:
Kabuki syndrome. Also called: Kabuki make-up syndrome; NIIKAWA-KUROKI SYNDROME. Identifiers: Orphanet 2322, MedGen C0796004, MONDO:0016512.
Choanal atresia-athelia-hypothyroidism-delayed puberty-short stature syndrome (BCAHH). Also called: BRANCHIAL ARCH ABNORMALITIES, CHOANAL ATRESIA, ATHELIA, HEARING LOSS, AND HYPOTHYROIDISM SYNDROME. Identifiers: Orphanet 589856, MedGen C5680310, MONDO:0035651, OMIM 620186.
Kabuki syndrome 1 (KABUK1). Also called: KMT2D-Related Kabuki Syndrome. Identifiers: Orphanet 2322, MedGen CN030661, MONDO:0007843, OMIM 147920.
KMT2D-related disorder. Also called: KMT2D-Related Disorders.

Allele frequency attached by ClinVar (database versions not stated): ExAC 0.00002; gnomAD 0.00003 and 0.00004; TOPMed 0.00003; gnomAD exomes 0.00006.
gnomAD v4.1: 24 of 1,613,806 alleles (0.0015%); highest among the groups gnomAD compares: Admixed American, 0.038%; no homozygotes.

Submissions (4):

PreventionGenetics, part of Exact Sciences
Classification: Uncertain significance for KMT2D-related condition. Last evaluated: 2026-02-10. Review status: criteria provided, single submitter. Criteria: ACMG Guidelines, 2015. Collection method: clinical testing. Allele origin: germline.
Comment: The KMT2D c.15499A>G variant is predicted to result in the amino acid substitution p.Ser5167Gly. To our knowledge, this variant has not been reported in the literature. This variant is reported in 0.045% of alleles in individuals of Latino descent in gnomAD. Although we suspect that this variant may be benign, at this time, the clinical significance of this variant is uncertain due to the absence of conclusive functional and genetic evidence.

Labcorp Genetics (formerly Invitae), Labcorp
Classification: Likely benign for Kabuki syndrome. Last evaluated: 2025-12-18. Review status: criteria provided, single submitter. Criteria: Invitae Variant Classification Sherloc (09022015). Collection method: clinical testing. Allele origin: germline.

Fulgent Genetics
Classification: Likely benign for Kabuki syndrome 1; Choanal atresia-athelia-hypothyroidism-delayed puberty-short stature syndrome. Last evaluated: 2024-06-12. Review status: criteria provided, single submitter. Criteria: ACMG Guidelines, 2015. Collection method: clinical testing. Allele origin: germline.

Center for Human Genetics, Inc
Classification: Uncertain significance for Kabuki syndrome 1. Last evaluated: 2016-11-01. Review status: criteria provided, single submitter. Criteria: ACMG Guidelines, 2015. Collection method: clinical testing. Allele origin: germline. Affected: yes.